The following is an entry in ClinVar:

ClinVar aggregate classification (germline): Uncertain significance (1 of 4 stars; one submission).

Conditions:
Familial adenomatous polyposis 1 (FAP1). Also called: POLYPOSIS, ADENOMATOUS INTESTINAL; FAMILIAL ADENOMATOUS POLYPOSIS 1, ATTENUATED. Identifiers: MedGen C2713442, MONDO:0021056, OMIM 175100. Disease mechanism: loss of function.

Submission:

Labcorp Genetics (formerly Invitae), Labcorp
Classification: Uncertain significance for Familial adenomatous polyposis 1. Last evaluated: 2025-05-01. Review status: criteria provided, single submitter. Criteria: Invitae Variant Classification Sherloc (09022015). Collection method: clinical testing. Allele origin: germline.
Comment: This sequence change replaces lysine, which is basic and polar, with glutamic acid, which is acidic and polar, at codon 73 of the APC protein (p.Lys73Glu). This variant is not present in population databases (gnomAD no frequency). This variant has not been reported in the literature in individuals affected with APC-related conditions. ClinVar contains an entry for this variant (Variation ID: 1364041). Invitae Evidence Modeling of protein sequence and biophysical properties (such as structural, functional, and spatial information, amino acid conservation, physicochemical variation, residue mobility, and thermodynamic stability) indicates that this missense variant is not expected to disrupt APC protein function with a negative predictive value of 95%. In summary, the available evidence is currently insufficient to determine the role of this variant in disease. Therefore, it has been classified as a Variant of Uncertain Significance.

NM_000038.6(APC):c.217A>G (p.Lys73Glu)

Gene: APC (APC regulator of Wnt signaling pathway; plus strand). Cytogenetic location: 5q22.2.
Variant type: single nucleotide variant.
Coding change: c.217A>G on transcript NM_000038.6 (MANE Select); coding-DNA position 217, A replaced by G.
Protein change: p.Lys73Glu; replaces lysine 73 with glutamic acid.
Molecular consequence: missense variant. On other transcripts: 5 prime UTR variant (1).
Genome position (GRCh38, 1-based): chr5:112,766,407, A>G. VCF-style: chr5-112766407-A-G. GRCh37 (hg19) VCF-style: chr5-112102104-A-G.
Other names: c.217A>G, p.Lys73Glu (NM_001127510.3, NM_001354895.2, NM_001354896.2 and 2 more transcripts); c.247A>G, p.Lys83Glu (NM_001127511.3, NM_001354897.2, NM_001354902.2); c.142A>G, p.Lys48Glu (NM_001354898.2, NM_001354904.2); c.40A>G, p.Lys14Glu (NM_001354900.2, NM_001354901.2, NM_001354905.2); c.-819A>G (NM_001354906.2); short protein forms K48E, K83E, K73E, K14E.
Identifiers: ClinVar variation 1364041 (VCV001364041.8), dbSNP rs2149784855, ClinGen allele CA16021815.
Genomic context (GRCh38, chr5:112,766,407, plus strand): 5'-GGAAGTATTGAAGATGAAGCTATGGCTTCTTCTGGACAGATTGATTTATTAGAGCGTCTT[A>G]AAGGTAGATTTTAAAAAGGTGTTTTAAAATAATTTTTTAAGCTCAAATTGTCATCTTTAG-3'
Protein context (NP_000029.2, residues 63-83): SGQIDLLERL[Lys73Glu]ELNLDSSNFP